The following is an entry in ClinVar:

ClinVar aggregate classification (germline): Uncertain significance (1 of 4 stars; one submission).

Submission:

GeneDx
Classification: Uncertain significance. Last evaluated: 2025-07-03. Review status: criteria provided, single submitter. Criteria: GeneDx Variant Classification Process June 2021. Collection method: clinical testing. Allele origin: germline. Affected: yes.
Comment: Not observed at significant frequency in large population cohorts (gnomAD); In silico analysis suggests that this missense variant does not alter protein structure/function; Has not been previously published as pathogenic or benign to our knowledge

NM_205861.3(DHDDS):c.806A>G (p.Gln269Arg)

Gene: DHDDS (dehydrodolichyl diphosphate synthase subunit; plus strand). Cytogenetic location: 1p36.11.
Variant type: single nucleotide variant.
Coding change: c.806A>G on transcript NM_205861.3 (MANE Select); coding-DNA position 806, A replaced by G.
Protein change: p.Gln269Arg; replaces glutamine 269 with arginine.
Molecular consequence: missense variant.
Genome position (GRCh38, 1-based): chr1:26,468,935, A>G. VCF-style: chr1-26468935-A-G. GRCh37 (hg19) VCF-style: chr1-26795426-A-G.
Other names: c.704A>G, p.Gln235Arg (NM_001243564.2); c.689A>G, p.Gln230Arg (NM_001243565.2); c.527A>G, p.Gln176Arg (NM_001319959.2); c.809A>G, p.Gln270Arg (NM_024887.4); short protein forms Q176R, Q230R, Q235R, Q269R, Q270R.
Identifiers: ClinVar variation 4681158 (VCV004681158.1).